The following is an entry in ClinVar:

ClinVar aggregate classification (germline): Benign. Review status: reviewed by expert panel (3 of 4 stars). 9 submissions from 9 submitters: Benign (1). 8 of the submissions do not count toward it. Last evaluated 2022-12-09.

Conditions:
Phenylketonuria (PKU). Also called: Phenylketonuria (PKU); OLIGOPHRENIA PHENYLPYRUVICA; Phenylketonurias; FOLLING DISEASE. Identifiers: Orphanet 716, MedGen C0031485, MONDO:0009861, OMIM 261600. Disease mechanism: loss of function.

Allele frequency attached by ClinVar (database versions not stated): ESP Exome Variant Server 0.82716; 1000 Genomes Project 0.84026; 1000 Genomes Project 30x 0.84088; TOPMed 0.83663; gnomAD 0.84953.
gnomAD v4.1: 1,370,698 of 1,613,120 alleles (85%); highest among the groups gnomAD compares: Admixed American, 90%; 582,921 homozygotes.

Submissions (9):

ClinGen PAH Variant Curation Expert Panel
Classification: Benign for Phenylketonuria. Last evaluated: 2022-12-09. Review status: reviewed by expert panel. Criteria: ClinGen PAH ACMG Specifications v1. Collection method: curation. Allele origin: germline. Inheritance: Autosomal recessive inheritance.
Comment: This c.1155C>G (p.Leu385=) synonymous variant in PAH is not predicted to have a splice-altering consequence. This variant was present at a high frequency of 0.840256 in 1000 genomes and 0.858145 in ExAC. In summary, this variant meets criteria to be classified as a benign for PAH. PAH-specific ACMG/AMP criteria applied: BP7, BA1.

Labcorp Genetics (formerly Invitae), Labcorp
Classification: Benign for Phenylketonuria. Last evaluated: 2026-02-04. Review status: criteria provided, single submitter. Criteria: Invitae Variant Classification Sherloc (09022015). Collection method: clinical testing. Allele origin: germline. Not counted in ClinVar's aggregate classification.

Blueprint Genetics
Classification: Benign. Last evaluated: 2024-11-27. Review status: criteria provided, single submitter. Criteria: ACMG Guidelines, 2015. Collection method: clinical testing. Allele origin: germline. Not counted in ClinVar's aggregate classification.

Mayo Clinic Laboratories, Mayo Clinic
Classification: Benign. Last evaluated: 2022-04-14. Review status: criteria provided, single submitter. Criteria: ACMG Guidelines, 2015. Collection method: clinical testing. Allele origin: germline. Observed: 81 variant alleles. Not counted in ClinVar's aggregate classification.

Genome-Nilou Lab
Classification: Benign for Phenylketonuria. Last evaluated: 2021-09-05. Review status: criteria provided, single submitter. Criteria: ACMG Guidelines, 2015. Collection method: clinical testing. Allele origin: germline. Affected: no. Not counted in ClinVar's aggregate classification.

Pars Genome Lab
Classification: Benign for Phenylketonuria. Last evaluated: 2021-07-01. Review status: criteria provided, single submitter. Criteria: ACMG Guidelines, 2015. Collection method: clinical testing. Allele origin: germline. Affected: no. Not counted in ClinVar's aggregate classification.

Eurofins Ntd Llc (ga)
Classification: Benign. Last evaluated: 2017-05-16. Review status: criteria provided, single submitter. Criteria: EGL Classification Definitions 2015. Collection method: clinical testing. Allele origin: germline. Observed: 319 variant alleles, 103 heterozygotes, 216 homozygotes. Not counted in ClinVar's aggregate classification.

Breakthrough Genomics
Classification: Benign. Review status: criteria provided, single submitter. Criteria: ACMG Guidelines, 2015. Collection method: not provided. Allele origin: germline. Inheritance: Autosomal recessive inheritance. Affected: yes. Not counted in ClinVar's aggregate classification.

Natera, Inc.
Classification: Benign for Phenylketonuria. Last evaluated: 2019-11-16. Review status: no assertion criteria provided. Collection method: clinical testing. Allele origin: germline. Not counted in ClinVar's aggregate classification.

NM_000277.3(PAH):c.1155C>G (p.Leu385=)

Gene: PAH (phenylalanine hydroxylase; minus strand). Cytogenetic location: 12q23.2.
Variant type: single nucleotide variant.
Coding change: c.1155C>G on transcript NM_000277.3 (MANE Select); coding-DNA position 1155, C replaced by G.
Protein change: p.Leu385=; no amino-acid change (leucine 385 retained).
Molecular consequence: synonymous variant.
Genome position (GRCh38, 1-based): chr12:102,843,690, G>C on the plus strand (C>G on the coding strand, the complement: PAH is on the minus strand). VCF-style: chr12-102843690-G-C. GRCh37 (hg19) VCF-style: chr12-103237468-G-C.
Other names: NM_000277.3(PAH):c.1155C>G; p.Leu385=; c.1155C>G, p.Leu385= (NM_001354304.2).
Identifiers: ClinVar variation 167413 (VCV000167413.21), dbSNP rs772897, ClinGen allele CA180265.
Genomic context (GRCh38, chr12:102,843,690, plus strand): 5'-TTTGTCACCACCTCACCTTACTTTCTCCTTGGCATCATTAAAACTCTCTGCCACGTAATA[G>C]AGGGGCTGGAACTCCGTGACAGTGTAATTTTGGATGGCTGTCTTCTCCAGCTCCAGGGGG-3'
Protein context (NP_000268.1, residues 375-395): QNYTVTEFQP[Leu385=]YYVAESFNDA